The following is an entry in ClinVar:

NM_000447.3(PSEN2):c.1092C>T (p.Leu364=)

Gene: PSEN2 (presenilin 2; plus strand). Cytogenetic location: 1q42.13.
Variant type: single nucleotide variant.
Coding change: c.1092C>T on transcript NM_000447.3 (MANE Select); coding-DNA position 1092, C replaced by T.
Protein change: p.Leu364=; no amino-acid change (leucine 364 retained).
Molecular consequence: synonymous variant.
Genome position (GRCh38, 1-based): chr1:226,894,026, C>T. VCF-style: chr1-226894026-C-T. GRCh37 (hg19) VCF-style: chr1-227081727-C-T.
Other names: c.1092C>T (NM_000447.2); c.1089C>T, p.Leu363= (NM_012486.3).
Identifiers: ClinVar variation 2777762 (VCV002777762.20), dbSNP rs201093218, ClinGen allele CA1424802.
Genomic context (GRCh38, chr1:226,894,026, plus strand): 5'-GCACGCCTCTTCAGTACGGGTTACTGTCTCTCCTCACACAGGGGGCGTGAAGCTTGGCCT[C>T]GGGGACTTCATCTTCTACAGTGTGCTGGTGGGCAAGGCGGCTGCCACGGGCAGCGGGGAC-3'
Protein context (NP_000438.2, residues 354-374): EEEERGVKLG[Leu364=]GDFIFYSVLV

ClinVar aggregate classification (germline): Likely benign. Review status: criteria provided, multiple submitters, no conflicts (2 of 4 stars). 4 submissions from 4 submitters: Likely benign (3). 1 of the submissions does not count toward it. Last evaluated 2025-09-05.

Conditions:
Inborn genetic diseases. Identifiers: MedGen C0950123, MeSH D030342.
PSEN2-related disorder. Also called: PSEN2-related condition.
Alzheimer disease 4 (AD4). Identifiers: Orphanet 1020, MedGen C1847200, MONDO:0011743, OMIM 606889.

Allele frequency attached by ClinVar (database versions not stated): gnomAD 0.00005; TOPMed 0.00006; ExAC 0.00007; gnomAD exomes 0.00011.
gnomAD v4.1: 170 of 1,614,046 alleles (0.011%); highest among the groups gnomAD compares: South Asian, 0.041%; no homozygotes.

Submissions (4):

Ambry Genetics
Classification: Likely benign for Inborn genetic diseases. Last evaluated: 2025-09-05. Review status: criteria provided, single submitter. Criteria: Ambry Variant Classification Scheme 2023. Collection method: clinical testing. Allele origin: germline.

CeGaT Center for Human Genetics Tuebingen
Classification: Likely benign. Last evaluated: 2024-10-01. Review status: criteria provided, single submitter. Criteria: CeGaT Center For Human Genetics Tuebingen Variant Classification Criteria Version 2. Collection method: clinical testing. Allele origin: germline. Affected: yes. Observed: 1 variant allele.
Comment: PSEN2: BP4, BP7

Labcorp Genetics (formerly Invitae), Labcorp
Classification: Likely benign for Alzheimer disease 4. Last evaluated: 2024-09-29. Review status: criteria provided, single submitter. Criteria: Invitae Variant Classification Sherloc (09022015). Collection method: clinical testing. Allele origin: germline.

PreventionGenetics, part of Exact Sciences
Classification: Likely benign for PSEN2-related condition. Last evaluated: 2021-02-04. Review status: no assertion criteria provided. Collection method: clinical testing. Allele origin: germline. Not counted in ClinVar's aggregate classification.
Comment: This variant is classified as likely benign based on ACMG/AMP sequence variant interpretation guidelines (Richards et al. 2015 PMID: 25741868, with internal and published modifications).